The following is an entry in ClinVar:

NM_000038.6(APC):c.5217G>T (p.Lys1739Asn)

Gene: APC (APC regulator of Wnt signaling pathway; plus strand). Cytogenetic location: 5q22.2.
Variant type: single nucleotide variant.
Coding change: c.5217G>T on transcript NM_000038.6 (MANE Select); coding-DNA position 5217, G replaced by T.
Protein change: p.Lys1739Asn; replaces lysine 1739 with asparagine.
Molecular consequence: missense variant. On other transcripts: non-coding transcript variant (2).
Genome position (GRCh38, 1-based): chr5:112,840,811, G>T. VCF-style: chr5-112840811-G-T. GRCh37 (hg19) VCF-style: chr5-112176508-G-T.
Other names: c.5217G>T, p.Lys1739Asn (NM_001127510.3, NM_001354895.2, NM_001407450.1); c.5163G>T, p.Lys1721Asn (NM_001127511.3); c.5271G>T, p.Lys1757Asn (NM_001354896.2, NM_001407447.1, NM_001407448.1 and 1 more transcripts); c.5247G>T, p.Lys1749Asn (NM_001354897.2); c.5142G>T, p.Lys1714Asn (NM_001354898.2); c.5133G>T, p.Lys1711Asn (NM_001354899.2); c.5094G>T, p.Lys1698Asn (NM_001354900.2); c.5040G>T, p.Lys1680Asn (NM_001354901.2, NM_001407453.1); and 11 more; short protein forms K1714N, K1729N, K1732N, K1355N, K1579N, K1613N, K1698N, K1711N.
Identifiers: ClinVar variation 2567011 (VCV002567011.2), dbSNP rs1580657520, ClinGen allele CA16032736.

ClinVar aggregate classification (germline): Uncertain significance (1 of 4 stars; one submission).

Conditions:
Hereditary cancer-predisposing syndrome. Also called: Hereditary neoplastic syndrome; Hereditary Cancer Syndrome; Neoplastic Syndromes, Hereditary; Tumor predisposition. Identifiers: Orphanet 140162, MedGen C0027672, MeSH D009386, MONDO:0015356.

Submission:

Ambry Genetics
Classification: Uncertain significance for Hereditary cancer-predisposing syndrome. Last evaluated: 2023-05-02. Review status: criteria provided, single submitter. Criteria: Ambry Variant Classification Scheme 2023. Collection method: clinical testing. Allele origin: germline.
Comment: The p.K1739N variant (also known as c.5217G>T), located in coding exon 15 of the APC gene, results from a G to T substitution at nucleotide position 5217. The lysine at codon 1739 is replaced by asparagine, an amino acid with similar properties. This amino acid position is conserved. In addition, in silico predictors for this gene do not accurately predict pathogenicity. Since supporting evidence is limited at this time, the clinical significance of this alteration remains unclear.